The following is an entry in ClinVar:

ClinVar aggregate classification (germline): Conflicting classifications of pathogenicity. Review status: criteria provided, conflicting classifications (1 of 4 stars). 2 submissions from 2 submitters: Uncertain significance (1); Likely benign (1). Last evaluated 2024-04-22.

Conditions:
Short stature-pituitary and cerebellar defects-small sella turcica syndrome (CPHD4). Also called: Pituitary hormone deficiency, combined with or without cerebellar defects; Short stature, pituitary and cerebellar defects and small sella turcica. Identifiers: Orphanet 85442, MedGen C2678408, MONDO:0009880, OMIM 262700.

Allele frequency attached by ClinVar (database versions not stated): gnomAD 0.00003; TOPMed 0.00008.
gnomAD v4.1: 131 of 1,613,200 alleles (0.0081%); highest among the groups gnomAD compares: Middle Eastern, 0.016%; no homozygotes.

Submissions (2):

Labcorp Genetics (formerly Invitae), Labcorp
Classification: Uncertain significance. Last evaluated: 2024-04-22. Review status: criteria provided, single submitter. Criteria: Invitae Variant Classification Sherloc (09022015). Collection method: clinical testing. Allele origin: germline.
Comment: This sequence change replaces arginine, which is basic and polar, with glutamine, which is neutral and polar, at codon 235 of the LHX4 protein (p.Arg235Gln). This variant is present in population databases (rs765008063, gnomAD 0.01%). This missense change has been observed in individual(s) with congenital hypopituitarism (PMID: 27820671). ClinVar contains an entry for this variant (Variation ID: 801583). Advanced modeling of protein sequence and biophysical properties (such as structural, functional, and spatial information, amino acid conservation, physicochemical variation, residue mobility, and thermodynamic stability) performed at Invitae indicates that this missense variant is not expected to disrupt LHX4 protein function with a negative predictive value of 80%. Experimental studies have shown that this missense change does not substantially affect LHX4 function (PMID: 27820671). In summary, the available evidence is currently insufficient to determine the role of this variant in disease. Therefore, it has been classified as a Variant of Uncertain Significance.

Mendelics
Classification: Likely benign for Short stature-pituitary and cerebellar defects-small sella turcica syndrome. Last evaluated: 2019-05-28. Review status: criteria provided, single submitter. Criteria: Mendelics Assertion Criteria 2017. Collection method: clinical testing. Allele origin: unknown.

Literature cited by the submitters: PubMed 27820671 (cited by Labcorp Genetics (formerly Invitae), Labcorp).

NM_033343.4(LHX4):c.704G>A (p.Arg235Gln)

Genes: LHX4 (LIM homeobox 4; plus strand), LHX4-AS1 (LHX4 antisense RNA 1; minus strand), ACBD6 (acyl-CoA binding domain containing 6; minus strand). Cytogenetic location: 1q25.2.
Variant type: single nucleotide variant.
Coding change: c.704G>A on transcript NM_033343.4 (MANE Select); coding-DNA position 704, G replaced by A.
Protein change: p.Arg235Gln; replaces arginine 235 with glutamine.
Molecular consequence: missense variant. On other transcripts: non-coding transcript variant (1).
Genome position (GRCh38, 1-based): chr1:180,271,932, G>A. VCF-style: chr1-180271932-G-A. GRCh37 (hg19) VCF-style: chr1-180241067-G-A.
Other names: short protein forms R235Q.
Identifiers: ClinVar variation 801583 (VCV000801583.5), dbSNP rs765008063, ClinGen allele CA1271979.